The following is an entry in ClinVar:

ClinVar aggregate classification (germline): Uncertain significance (1 of 4 stars; one submission).

Conditions:
Hypotrichosis 6 (HYPT6). Also called: HYPOTRICHOSIS, LOCALIZED, AUTOSOMAL RECESSIVE 1; MONILETHRIX-LIKE HYPOTRICHOSIS. Identifiers: Orphanet 55654, MedGen C1842839, MONDO:0011932, OMIM 607903.

Allele frequency attached by ClinVar (database versions not stated): ExAC 0.00001.
gnomAD v4.1: 37 of 1,613,360 alleles (0.0023%); highest among the groups gnomAD compares: Non-Finnish European, 0.003%; no homozygotes.

Submission:

Victorian Clinical Genetics Services, Murdoch Childrens Research Institute
Classification: Uncertain significance for Hypotrichosis 6. Last evaluated: 2020-05-01. Review status: criteria provided, single submitter. Criteria: ACMG Guidelines, 2015. Collection method: clinical testing. Allele origin: germline. Inheritance: Autosomal recessive inheritance. Affected: yes.
Comment: Based on the classification scheme VCGS_Germline_v1.1.1, this variant is classified as a 3A-VUS. Following criteria are met: 0102 - Loss-of-function is a known mechanism of disease for this gene. NMD-predicted variants have previously been reported in this gene whilst missense variants are suspected to result in loss of function (ClinVar; PMID 16543896; PMID 25251037). (N) 0106 - This gene is known to be associated with autosomal recessive disease. (N) 0211 - Canonical splice site variant without proven consequence on splicing (no functional evidence available) (intron 8 of 15). (P) 0252 - Variant is homozygous. (N) 0304 - Variant is present in gnomAD <0.01 for a recessive condition (2 heterozygotes, 0 homozygotes). (P) 0505 - Abnormal splicing is predicted by in silico tools and affected nucleotide is highly conserved. (P) 0705 - No comparable variants have previous evidence for pathogenicity. (N) 0807 - Variant has not previously been reported in a clinical context. (N) 0905 - No segregation evidence has been identified for this variant. (N) 1007 - No published functional evidence has been identified for this variant. (N) 1208 - Inheritance information for this variant is not currently available. (N) Legend: (P) - Pathogenic, (N) - Neutral, (B) - Benign

Literature cited by the submitters: PubMed 16543896; PubMed 25251037.

NM_177986.5(DSG4):c.1005+1G>A

Genes: DSG4 (desmoglein 4; plus strand), DSG1-AS1 (DSG1 antisense RNA 1; minus strand). Cytogenetic location: 18q12.1.
Variant type: single nucleotide variant.
Coding change: c.1005+1G>A on transcript NM_177986.5 (MANE Select); the canonical splice donor site of the intron after coding-DNA position 1005, G replaced by A.
Molecular consequence: splice donor variant.
Genome position (GRCh38, 1-based): chr18:31,392,341, G>A. VCF-style: chr18-31392341-G-A. GRCh37 (hg19) VCF-style: chr18-28972304-G-A.
Other names: c.1005+1G>A (NM_001134453.3).
Identifiers: ClinVar variation 1806042 (VCV001806042.1), dbSNP rs774592364, ClinGen allele CA8926879.